The following is an entry in ClinVar:

ClinVar aggregate classification (germline): Uncertain significance. Review status: criteria provided, multiple submitters, no conflicts (2 of 4 stars). 3 submissions from 3 submitters: Uncertain significance (3). Last evaluated 2024-02-14.

Conditions:
Spermatogenic failure 46. Identifiers: MedGen C5436799, MONDO:0033673, OMIM 619095.
Primary ciliary dyskinesia. Also called: Ciliary dyskinesia. Identifiers: Orphanet 244, MedGen C0008780, MONDO:0016575, HP:0012265.

Allele frequency attached by ClinVar (database versions not stated): ExAC 0.00002; gnomAD exomes 0.00002; gnomAD 0.00005 and 0.00006; TOPMed 0.00005.
gnomAD v4.1: 29 of 1,613,942 alleles (0.0018%); highest among the groups gnomAD compares: Middle Eastern, 0.05%; no homozygotes.

Submissions (3):

Ambry Genetics
Classification: Uncertain significance. Last evaluated: 2024-02-14. Review status: criteria provided, single submitter. Criteria: Ambry Variant Classification Scheme 2023. Collection method: clinical testing. Allele origin: germline.

Labcorp Genetics (formerly Invitae), Labcorp
Classification: Uncertain significance for Primary ciliary dyskinesia. Last evaluated: 2021-08-30. Review status: criteria provided, single submitter. Criteria: Invitae Variant Classification Sherloc (09022015). Collection method: clinical testing. Allele origin: germline.
Comment: This sequence change replaces threonine with methionine at codon 3606 of the DNAH8 protein (p.Thr3606Met). The threonine residue is highly conserved and there is a moderate physicochemical difference between threonine and methionine. This variant is present in population databases (rs758157645, ExAC 0.01%). This variant has not been reported in the literature in individuals affected with DNAH8-related conditions. Algorithms developed to predict the effect of missense changes on protein structure and function are either unavailable or do not agree on the potential impact of this missense change (SIFT: "Deleterious"; PolyPhen-2: "Not Available"; Align-GVGD: "Class C65"). In summary, the available evidence is currently insufficient to determine the role of this variant in disease. Therefore, it has been classified as a Variant of Uncertain Significance.

Department of Pathology and Laboratory Medicine, Sinai Health System
Classification: Uncertain significance for spermatogenic failure 46. Last evaluated: 2021-08-08. Review status: criteria provided, single submitter. Criteria: ACMG Guidelines, 2015. Collection method: research. Allele origin: germline.

NM_001206927.2(DNAH8):c.10817C>T (p.Thr3606Met)

Genes: DNAH8 (dynein axonemal heavy chain 8; plus strand), DNAH8-AS1 (DNAH8 antisense RNA 1; minus strand). Cytogenetic location: 6p21.2.
Variant type: single nucleotide variant.
Coding change: c.10817C>T on transcript NM_001206927.2 (MANE Select); coding-DNA position 10817, C replaced by T.
Protein change: p.Thr3606Met; replaces threonine 3606 with methionine.
Molecular consequence: missense variant.
Genome position (GRCh38, 1-based): chr6:38,924,017, C>T. VCF-style: chr6-38924017-C-T. GRCh37 (hg19) VCF-style: chr6-38891793-C-T.
Other names: c.10166C>T, p.Thr3389Met (NM_001371.4); short protein forms T3389M, T3606M.
Identifiers: ClinVar variation 646019 (VCV000646019.8), dbSNP rs758157645, ClinGen allele CA3790850.